The following is an entry in ClinVar:

ClinVar aggregate classification (germline): Uncertain significance. Review status: criteria provided, multiple submitters, no conflicts (2 of 4 stars). 5 submissions from 5 submitters: Uncertain significance (4). 1 of the submissions does not count toward it. Last evaluated 2025-12-24.

Conditions:
Inborn genetic diseases. Identifiers: MedGen C0950123, MeSH D030342.
CACNA1D-related disorder.

Allele frequency attached by ClinVar (database versions not stated): ExAC 0.00002; gnomAD 0.00002 and 0.00004; gnomAD exomes 0.00002 and 0.00003; 1000 Genomes Project 30x 0.00031; 1000 Genomes Project 0.00040.
gnomAD v4.1: 35 of 1,614,028 alleles (0.0022%); highest among the groups gnomAD compares: East Asian, 0.016%; no homozygotes.

Submissions (5):

Labcorp Genetics (formerly Invitae), Labcorp
Classification: Uncertain significance. Last evaluated: 2025-12-24. Review status: criteria provided, single submitter. Criteria: Invitae Variant Classification Sherloc (09022015). Collection method: clinical testing. Allele origin: germline.
Comment: This sequence change replaces alanine, which is neutral and non-polar, with valine, which is neutral and non-polar, at codon 1653 of the CACNA1D protein (p.Ala1653Val). This variant is present in population databases (rs201969994, gnomAD 0.01%). This variant has not been reported in the literature in individuals affected with CACNA1D-related conditions. ClinVar contains an entry for this variant (Variation ID: 1397293). Invitae Evidence Modeling of protein sequence and biophysical properties (such as structural, functional, and spatial information, amino acid conservation, physicochemical variation, residue mobility, and thermodynamic stability) indicates that this missense variant is not expected to disrupt CACNA1D protein function with a negative predictive value of 80%. In summary, the available evidence is currently insufficient to determine the role of this variant in disease. Therefore, it has been classified as a Variant of Uncertain Significance.

GeneDx
Classification: Uncertain significance. Last evaluated: 2025-04-30. Review status: criteria provided, single submitter. Criteria: GeneDx Variant Classification Process June 2021. Collection method: clinical testing. Allele origin: germline.
Comment: In silico analysis supports that this missense variant has a deleterious effect on protein structure/function; Has not been previously published as pathogenic or benign to our knowledge

Blueprint Genetics
Classification: Uncertain significance. Last evaluated: 2024-10-17. Review status: criteria provided, single submitter. Criteria: ACMG Guidelines, 2015. Collection method: clinical testing. Allele origin: germline.

Ambry Genetics
Classification: Uncertain significance for Inborn genetic diseases. Last evaluated: 2022-09-07. Review status: criteria provided, single submitter. Criteria: Ambry Variant Classification Scheme 2023. Collection method: clinical testing. Allele origin: germline.

PreventionGenetics, part of Exact Sciences
Classification: Uncertain significance for CACNA1D-related condition. Last evaluated: 2023-12-15. Review status: no assertion criteria provided. Collection method: clinical testing. Allele origin: germline. Not counted in ClinVar's aggregate classification.
Comment: The CACNA1D c.4958C>T variant is predicted to result in the amino acid substitution p.Ala1653Val. To our knowledge, this variant has not been reported in the literature. This variant is reported in 0.015% of alleles in individuals of East Asian descent in gnomAD. At this time, the clinical significance of this variant is uncertain due to the absence of conclusive functional and genetic evidence.

NM_001128840.3(CACNA1D):c.4898C>T (p.Ala1633Val)

Gene: CACNA1D (calcium voltage-gated channel subunit alpha1 D; plus strand). Cytogenetic location: 3p21.1.
Variant type: single nucleotide variant.
Coding change: c.4898C>T on transcript NM_001128840.3 (MANE Select); coding-DNA position 4898, C replaced by T.
Protein change: p.Ala1633Val; replaces alanine 1633 with valine.
Molecular consequence: missense variant.
Genome position (GRCh38, 1-based): chr3:53,786,927, C>T. VCF-style: chr3-53786927-C-T. GRCh37 (hg19) VCF-style: chr3-53820954-C-T.
Other names: c.4958C>T, p.Ala1653Val (NM_000720.4); c.4853C>T, p.Ala1618Val (NM_001128839.3); c.4958C>T (NM_000720.3); short protein forms A1633V, A1618V, A1653V.
Identifiers: ClinVar variation 1397293 (VCV001397293.15), dbSNP rs201969994, ClinGen allele CA2455002.